The following is an entry in ClinVar:

NM_000135.4(FANCA):c.26C>G (p.Ser9Cys)

Genes: FANCA (FA complementation group A; minus strand), LOC112486223 (Sharpr-MPRA regulatory region 3988; plus strand). Cytogenetic location: 16q24.3.
Variant type: single nucleotide variant.
Coding change: c.26C>G on transcript NM_000135.4 (MANE Select); coding-DNA position 26, C replaced by G.
Protein change: p.Ser9Cys; replaces serine 9 with cysteine.
Molecular consequence: missense variant.
Genome position (GRCh38, 1-based): chr16:89,816,590, G>C on the plus strand (C>G on the coding strand, the complement: FANCA is on the minus strand). VCF-style: chr16-89816590-G-C. GRCh37 (hg19) VCF-style: chr16-89882998-G-C.
Other names: c.26C>G, p.Ser9Cys (NM_001018112.3, NM_001286167.3, NM_001351830.2); c.26C>G (NM_000135.2); short protein forms S9C.
Identifiers: ClinVar variation 1517522 (VCV001517522.6), dbSNP rs752776388, ClinGen allele CA286612810.
Genomic context (GRCh38, chr16:89,816,590, plus strand): 5'-CACCTACCCAGCAGCTCGGCCCAGGCCCTCCGGCGGCCCCCTGGGTCCTGGCCCGAGGCG[G>C]AGTTCGGGACCCACGAGTCGGACATGGCCTTGGCGCCTACAGCCCCGGCGGCGGCTCCCT-3'
Protein context (NP_000126.2, residues 1-19): MSDSWVPN[Ser9Cys]ASGQDPGGRR

ClinVar aggregate classification (germline): Uncertain significance. Review status: criteria provided, multiple submitters, no conflicts (2 of 4 stars). 2 submissions from 2 submitters: Uncertain significance (2). Last evaluated 2024-11-26.

Conditions:
Inborn genetic diseases. Identifiers: MedGen C0950123, MeSH D030342.
Fanconi anemia (FA). Also called: Fanconi's anemia. Identifiers: Orphanet 84, MedGen C0015625, MeSH D005199, MONDO:0019391.

gnomAD v4.1: 7 of 1,526,262 alleles (0.00046%); highest among the groups gnomAD compares: East Asian, 0.0025%; no homozygotes.

Submissions (2):

Ambry Genetics
Classification: Uncertain significance for Inborn genetic diseases. Last evaluated: 2024-11-26. Review status: criteria provided, single submitter. Criteria: Ambry Variant Classification Scheme 2023. Collection method: clinical testing. Allele origin: germline.
Comment: The p.S9C variant (also known as c.26C>G), located in coding exon 1 of the FANCA gene, results from a C to G substitution at nucleotide position 26. The serine at codon 9 is replaced by cysteine, an amino acid with dissimilar properties. This amino acid position is conserved. In addition, this alteration is predicted to be tolerated by in silico analysis. Based on the available evidence, the clinical significance of this variant remains unclear.

Labcorp Genetics (formerly Invitae), Labcorp
Classification: Uncertain significance for Fanconi anemia. Last evaluated: 2021-09-01. Review status: criteria provided, single submitter. Criteria: Invitae Variant Classification Sherloc (09022015). Collection method: clinical testing. Allele origin: germline.
Comment: This sequence change replaces serine with cysteine at codon 9 of the FANCA protein (p.Ser9Cys). The serine residue is weakly conserved and there is a moderate physicochemical difference between serine and cysteine. The frequency data for this variant in the population databases is considered unreliable, as metrics indicate insufficient coverage at this position in the ExAC database. This variant has not been reported in the literature in individuals affected with FANCA-related conditions. Algorithms developed to predict the effect of missense changes on protein structure and function are either unavailable or do not agree on the potential impact of this missense change (SIFT: "Tolerated"; PolyPhen-2: "Possibly Damaging"; Align-GVGD: "Class C0"). In summary, the available evidence is currently insufficient to determine the role of this variant in disease. Therefore, it has been classified as a Variant of Uncertain Significance.